The following is an entry in ClinVar:

NM_012120.3(CD2AP):c.1772T>C (p.Ile591Thr)

Gene: CD2AP (CD2 associated protein; plus strand). Cytogenetic location: 6p12.3.
Variant type: single nucleotide variant.
Coding change: c.1772T>C on transcript NM_012120.3 (MANE Select); coding-DNA position 1772, T replaced by C.
Protein change: p.Ile591Thr; replaces isoleucine 591 with threonine.
Molecular consequence: missense variant.
Genome position (GRCh38, 1-based): chr6:47,609,262, T>C. VCF-style: chr6-47609262-T-C. GRCh37 (hg19) VCF-style: chr6-47576998-T-C.
Other names: short protein forms I591T.
Identifiers: ClinVar variation 1920097 (VCV001920097.6), dbSNP rs773600809, ClinGen allele CA3844448.

ClinVar aggregate classification (germline): Uncertain significance. Review status: criteria provided, multiple submitters, no conflicts (2 of 4 stars). 2 submissions from 2 submitters: Uncertain significance (2). Last evaluated 2024-04-01.

Conditions:
Focal segmental glomerulosclerosis 3, susceptibility to (FSGS3). Identifiers: Orphanet 656, MedGen C1842982, MONDO:0011917, OMIM 607832.

Allele frequency attached by ClinVar (database versions not stated): gnomAD exomes below 0.00001; ExAC 0.00001.
gnomAD v4.1: 3 of 1,613,648 alleles (0.00019%); highest among the groups gnomAD compares: Middle Eastern, 0.034%; no homozygotes.

Submissions (2):

Fulgent Genetics
Classification: Uncertain significance for Focal segmental glomerulosclerosis 3, susceptibility to. Last evaluated: 2024-04-01. Review status: criteria provided, single submitter. Criteria: ACMG Guidelines, 2015. Collection method: clinical testing. Allele origin: germline.

Labcorp Genetics (formerly Invitae), Labcorp
Classification: Uncertain significance. Last evaluated: 2022-07-28. Review status: criteria provided, single submitter. Criteria: Invitae Variant Classification Sherloc (09022015). Collection method: clinical testing. Allele origin: germline.
Comment: This sequence change replaces isoleucine, which is neutral and non-polar, with threonine, which is neutral and polar, at codon 591 of the CD2AP protein (p.Ile591Thr). This variant is present in population databases (rs773600809, gnomAD no frequency). This variant has not been reported in the literature in individuals affected with CD2AP-related conditions. Algorithms developed to predict the effect of missense changes on protein structure and function output the following: SIFT: "Tolerated"; PolyPhen-2: "Benign"; Align-GVGD: "Class C0". The threonine amino acid residue is found in multiple mammalian species, which suggests that this missense change does not adversely affect protein function. In summary, the available evidence is currently insufficient to determine the role of this variant in disease. Therefore, it has been classified as a Variant of Uncertain Significance.